The following is an entry in ClinVar:

NM_002458.3(MUC5B):c.6713T>C (p.Leu2238Pro)

Genes: MUC5B (mucin 5B, oligomeric mucus/gel-forming; plus strand), MUC5B-AS1 (MUC5B antisense RNA 1; minus strand). Cytogenetic location: 11p15.5.
Variant type: single nucleotide variant.
Coding change: c.6713T>C on transcript NM_002458.3 (MANE Select); coding-DNA position 6713, T replaced by C.
Protein change: p.Leu2238Pro; replaces leucine 2238 with proline.
Molecular consequence: missense variant.
Genome position (GRCh38, 1-based): chr11:1,243,593, T>C. VCF-style: chr11-1243593-T-C. GRCh37 (hg19) VCF-style: chr11-1264823-T-C.
Other names: short protein forms L2238P.
Identifiers: ClinVar variation 403140 (VCV000403140.6), dbSNP rs4963031, ClinGen allele CA5806102.
Genomic context (GRCh38, chr11:1,243,593, plus strand): 5'-CCTCGGGCATCTTGGGCACCACCCACATCACAGAGCCTTCCACGGTGACTTCCCACACCC[T>C]AGCAGCAACCACCGGTACCACCCAGCACTCGACTCCAGCCCTTTCCAGCCCTCACCCTAG-3'
Protein context (NP_002449.2, residues 2228-2248): TEPSTVTSHT[Leu2238Pro]AATTGTTQHS

ClinVar aggregate classification (germline): Benign. Review status: criteria provided, multiple submitters, no conflicts (2 of 4 stars). 3 submissions from 3 submitters: Benign (3). Last evaluated 2018-11-12.

Allele frequency attached by ClinVar (database versions not stated): ESP Exome Variant Server 0.59230; gnomAD exomes 0.70630 and 0.75048; gnomAD 0.72794 and 0.73158; TOPMed 0.73305; ExAC 0.74042; 1000 Genomes Project 30x 0.78982; 1000 Genomes Project 0.79692.
gnomAD v4.1: 1,127,154 of 1,589,440 alleles (71%); highest among the groups gnomAD compares: East Asian, 98%; 408,821 homozygotes.

Submissions (3):

GeneDx
Classification: Benign. Last evaluated: 2018-11-12. Review status: criteria provided, single submitter. Criteria: GeneDx Variant Classification Process June 2021. Collection method: clinical testing. Allele origin: germline. Affected: yes.

Laboratory for Molecular Medicine, Mass General Brigham Personalized Medicine
Classification: Benign. Last evaluated: 2016-03-28. Review status: criteria provided, single submitter. Criteria: LMM Criteria. Collection method: clinical testing. Allele origin: germline.
Comment: Variant identified in a genome or exome case(s) and assessed due to predicted null impact of the variant or pathogenic assertions in the literature or databases. Disclaimer: This variant has not undergone full assessment. The following are preliminary notes: Frequency

Breakthrough Genomics
Classification: Benign. Review status: criteria provided, single submitter. Criteria: ACMG Guidelines, 2015. Collection method: not provided. Allele origin: germline. Inheritance: Autosomal dominant inheritance. Affected: yes.